The following is an entry in ClinVar:

ClinVar aggregate classification (germline): Uncertain significance (1 of 4 stars; one submission).

Submission:

GeneDx
Classification: Uncertain significance. Last evaluated: 2023-03-30. Review status: criteria provided, single submitter. Criteria: GeneDx Variant Classification Process June 2021. Collection method: clinical testing. Allele origin: germline. Affected: yes.
Comment: Not observed at significant frequency in large population cohorts (gnomAD); In silico analysis supports that this missense variant has a deleterious effect on protein structure/function; Has not been previously published as pathogenic or benign to our knowledge

NM_001194.4(HCN2):c.2657C>G (p.Ser886Trp)

Gene: HCN2 (hyperpolarization activated cyclic nucleotide gated potassium and sodium channel 2; plus strand). Cytogenetic location: 19p13.3.
Variant type: single nucleotide variant.
Coding change: c.2657C>G on transcript NM_001194.4 (MANE Select); coding-DNA position 2657, C replaced by G.
Protein change: p.Ser886Trp; replaces serine 886 with tryptophan.
Molecular consequence: missense variant.
Genome position (GRCh38, 1-based): chr19:616,461, C>G. VCF-style: chr19-616461-C-G. GRCh37 (hg19) VCF-style: chr19-616461-C-G.
Other names: short protein forms S886W.
Identifiers: ClinVar variation 2662865 (VCV002662865.1), dbSNP rs2512463684, ClinGen allele CA402889473.